The following is an entry in ClinVar:

NM_003922.4(HERC1):c.6225+4C>T

Gene: HERC1 (HECT and RLD domain containing E3 ubiquitin protein ligase family member 1; minus strand). Cytogenetic location: 15q22.31.
Variant type: single nucleotide variant.
Coding change: c.6225+4C>T on transcript NM_003922.4 (MANE Select); 4 bases into the intron after coding-DNA position 6225, C replaced by T.
Molecular consequence: intron variant.
Genome position (GRCh38, 1-based): chr15:63,686,355, G>A on the plus strand (C>T on the coding strand, the complement: HERC1 is on the minus strand). VCF-style: chr15-63686355-G-A. GRCh37 (hg19) VCF-style: chr15-63978554-G-A.
Identifiers: ClinVar variation 435413 (VCV000435413.48), dbSNP rs141414233, ClinGen allele CA7605370.

ClinVar aggregate classification (germline): Benign/Likely benign. Review status: criteria provided, multiple submitters, no conflicts (2 of 4 stars). 5 submissions from 5 submitters: Benign (2); Likely benign (3). Last evaluated 2026-07-01.

Allele frequency attached by ClinVar (database versions not stated): 1000 Genomes Project 0.00240; 1000 Genomes Project 30x 0.00265; gnomAD 0.00475; TOPMed 0.00589; ESP Exome Variant Server 0.00686.
gnomAD v4.1: 11,549 of 1,581,242 alleles (0.73%); highest among the groups gnomAD compares: Non-Finnish European, 0.9%; 44 homozygotes.

Submissions (5):

CeGaT Center for Human Genetics Tuebingen
Classification: Likely benign. Last evaluated: 2026-07-01. Review status: criteria provided, single submitter. Criteria: CeGaT Center For Human Genetics Tuebingen Variant Classification Criteria Version 2. Collection method: clinical testing. Allele origin: germline. Affected: yes. Observed: 38 variant alleles.
Comment: HERC1: BP4, BS2

Labcorp Genetics (formerly Invitae), Labcorp
Classification: Benign. Last evaluated: 2026-01-15. Review status: criteria provided, single submitter. Criteria: Invitae Variant Classification Sherloc (09022015). Collection method: clinical testing. Allele origin: germline.

GeneDx
Classification: Benign. Last evaluated: 2019-05-13. Review status: criteria provided, single submitter. Criteria: GeneDx Variant Classification Process June 2021. Collection method: clinical testing. Allele origin: germline. Affected: yes.

Genetic Services Laboratory, University of Chicago
Classification: Likely benign. Last evaluated: 2016-12-27. Review status: criteria provided, single submitter. Criteria: ACMG Guidelines, 2015. Collection method: clinical testing. Allele origin: germline. Affected: no.

Breakthrough Genomics
Classification: Likely benign. Review status: criteria provided, single submitter. Criteria: ACMG Guidelines, 2015. Collection method: not provided. Allele origin: germline. Inheritance: Autosomal recessive inheritance. Affected: yes.